The following is an entry in ClinVar:

NM_012238.5(SIRT1):c.182C>G (p.Pro61Arg)

Genes: SIRT1 (sirtuin 1; plus strand), LOC107832851 (SIRT1 promoter region; plus strand). Cytogenetic location: 10q21.3.
Variant type: single nucleotide variant.
Coding change: c.182C>G on transcript NM_012238.5 (MANE Select); coding-DNA position 182, C replaced by G.
Protein change: p.Pro61Arg; replaces proline 61 with arginine.
Molecular consequence: missense variant.
Genome position (GRCh38, 1-based): chr10:67,884,903, C>G. VCF-style: chr10-67884903-C-G. GRCh37 (hg19) VCF-style: chr10-69644661-C-G.
Other names: short protein forms P61R.
Identifiers: ClinVar variation 1467163 (VCV001467163.6), dbSNP rs1446726608, ClinGen allele CA377035634.

ClinVar aggregate classification (germline): Uncertain significance (1 of 4 stars; one submission).

Submission:

Labcorp Genetics (formerly Invitae), Labcorp
Classification: Uncertain significance. Last evaluated: 2023-12-22. Review status: criteria provided, single submitter. Criteria: Invitae Variant Classification Sherloc (09022015). Collection method: clinical testing. Allele origin: germline.
Comment: This sequence change replaces proline, which is neutral and non-polar, with arginine, which is basic and polar, at codon 61 of the SIRT1 protein (p.Pro61Arg). This variant is not present in population databases (gnomAD no frequency). This variant has not been reported in the literature in individuals affected with SIRT1-related conditions. ClinVar contains an entry for this variant (Variation ID: 1467163). An algorithm developed to predict the effect of missense changes on protein structure and function (PolyPhen-2) suggests that this variant is likely to be disruptive. In summary, the available evidence is currently insufficient to determine the role of this variant in disease. Therefore, it has been classified as a Variant of Uncertain Significance.